The following is an entry in ClinVar:

NM_024334.3(TMEM43):c.833A>G (p.Lys278Arg)

Gene: TMEM43 (transmembrane protein 43; plus strand). Cytogenetic location: 3p25.1.
Variant type: single nucleotide variant.
Coding change: c.833A>G on transcript NM_024334.3 (MANE Select); coding-DNA position 833, A replaced by G.
Protein change: p.Lys278Arg; replaces lysine 278 with arginine.
Molecular consequence: missense variant.
Genome position (GRCh38, 1-based): chr3:14,135,859, A>G. VCF-style: chr3-14135859-A-G. GRCh37 (hg19) VCF-style: chr3-14177359-A-G.
Other names: short protein forms K278R.
Identifiers: ClinVar variation 923629 (VCV000923629.16), dbSNP rs1427535931, ClinGen allele CA351535963.

ClinVar aggregate classification (germline): Uncertain significance. Review status: criteria provided, multiple submitters, no conflicts (2 of 4 stars). 4 submissions from 4 submitters: Uncertain significance (4). Last evaluated 2024-07-20.

Conditions:
Cardiovascular phenotype. Identifiers: MedGen CN230736.
Cardiomyopathy (CMYO). Also called: Cardiomyopathies. Identifiers: Orphanet 167848, MedGen C0878544, MONDO:0004994, HP:0001638. Inheritance: Various modes of inheritance.
Arrhythmogenic right ventricular dysplasia 5. Also called: Arrhythmogenic Right Ventricular Dysplasia/Cardiomyopathy 5; ARRHYTHMOGENIC RIGHT VENTRICULAR DYSPLASIA, FAMILIAL, 5. Identifiers: MedGen C1858379, MONDO:0011459, OMIM 604400.

Allele frequency attached by ClinVar (database versions not stated): gnomAD exomes below 0.00001.

Submissions (4):

All of Us Research Program, National Institutes of Health
Classification: Uncertain significance for Arrhythmogenic right ventricular dysplasia 5. Last evaluated: 2024-07-20. Review status: criteria provided, single submitter. Criteria: ACMG Guidelines, 2015. Collection method: clinical testing. Allele origin: germline. Inheritance: Autosomal dominant inheritance. Observed: 2 variant alleles, 2 heterozygotes.
Comment: This missense variant replaces lysine with arginine at codon 278 of the TMEM43 protein. Computational prediction suggests that this variant may not impact protein structure and function (internally defined REVEL score threshold <= 0.5, PMID: 27666373). Splice site prediction tools suggest that this variant may impact RNA splicing. To our knowledge, functional studies have not been reported for this variant. This variant has not been reported in individuals affected with cardiovascular disorders in the literature. This variant has been identified in 1/250434 chromosomes in the general population by the Genome Aggregation Database (gnomAD). The available evidence is insufficient to determine the role of this variant in disease conclusively. Therefore, this variant is classified as a Variant of Uncertain Significance.

This study involves interpretation of variants in research participants for the purpose of population health screening. Participant phenotype was not available at the time of variant classification. Additional details can be found in publication PMID: 35346344, PMCID: PMC8962531

Color Diagnostics, LLC DBA Color Health
Classification: Uncertain significance for Cardiomyopathy. Last evaluated: 2024-03-06. Review status: criteria provided, single submitter. Criteria: ACMG Guidelines, 2015. Collection method: clinical testing. Allele origin: germline.
Comment: This missense variant replaces lysine with arginine at codon 278 of the TMEM43 protein. Computational prediction suggests that this variant may not impact protein structure and function (internally defined REVEL score threshold <= 0.5, PMID: 27666373). Splice site prediction tools suggest that this variant may impact RNA splicing. To our knowledge, functional studies have not been reported for this variant. This variant has not been reported in individuals affected with cardiovascular disorders in the literature. This variant has been identified in 1/250434 chromosomes in the general population by the Genome Aggregation Database (gnomAD). The available evidence is insufficient to determine the role of this variant in disease conclusively. Therefore, this variant is classified as a Variant of Uncertain Significance.

Labcorp Genetics (formerly Invitae), Labcorp
Classification: Uncertain significance for Arrhythmogenic right ventricular dysplasia 5. Last evaluated: 2023-04-20. Review status: criteria provided, single submitter. Criteria: Invitae Variant Classification Sherloc (09022015). Collection method: clinical testing. Allele origin: germline.
Comment: This sequence change replaces lysine, which is basic and polar, with arginine, which is basic and polar, at codon 278 of the TMEM43 protein (p.Lys278Arg). This variant is present in population databases (no rsID available, gnomAD 0.0009%). This variant has not been reported in the literature in individuals affected with TMEM43-related conditions. ClinVar contains an entry for this variant (Variation ID: 923629). Advanced modeling of protein sequence and biophysical properties (such as structural, functional, and spatial information, amino acid conservation, physicochemical variation, residue mobility, and thermodynamic stability) performed at Invitae indicates that this missense variant is not expected to disrupt TMEM43 protein function. Algorithms developed to predict the effect of sequence changes on RNA splicing suggest that this variant may create or strengthen a splice site. In summary, the available evidence is currently insufficient to determine the role of this variant in disease. Therefore, it has been classified as a Variant of Uncertain Significance.

Ambry Genetics
Classification: Uncertain significance for Cardiovascular phenotype. Last evaluated: 2020-12-10. Review status: criteria provided, single submitter. Criteria: Ambry Variant Classification Scheme 2023. Collection method: clinical testing. Allele origin: germline.
Comment: The p.K278R variant (also known as c.833A>G), located in coding exon 10 of the TMEM43 gene, results from an A to G substitution at nucleotide position 833. The lysine at codon 278 is replaced by arginine, an amino acid with highly similar properties. This amino acid position is well conserved in available vertebrate species; however, arginine is the reference amino acid in other vertebrate species. In addition, this alteration is predicted to be tolerated by in silico analysis. Since supporting evidence is limited at this time, the clinical significance of this alteration remains unclear.